The following is an entry in ClinVar:

NM_015443.4(KANSL1):c.-90+404G>C

Gene: KANSL1 (KAT8 regulatory NSL complex subunit 1). Cytogenetic location: 17q21.31.
Variant type: single nucleotide variant.
Coding change: c.-90+404G>C on transcript NM_015443.4 (MANE Select); 404 bases into the intron after 90 bases upstream of the start codon, G replaced by C.
Molecular consequence: intron variant. On other transcripts: 5 prime UTR variant (1).
Genome position (GRCh38, 1-based): chr17:46,192,419, C>G on the plus strand (G>C on the coding strand, the complement: KANSL1 is on the minus strand). VCF-style: chr17-46192419-C-G. GRCh37 (hg19) VCF-style: chr17-44269785-C-G.
Other names: c.-90G>C (NM_001193466.2); c.-89-20187G>C (NM_001193465.2, NM_001379198.1).
Identifiers: ClinVar variation 205757 (VCV000205757.1), dbSNP rs796052591, ClinGen allele CA315142.

ClinVar aggregate classification (germline): Likely benign (1 of 4 stars; one submission).

Allele frequency attached by ClinVar (database versions not stated): gnomAD 0.00003.

Submission:

GeneDx
Classification: Likely benign. Last evaluated: 2017-07-21. Review status: criteria provided, single submitter. Criteria: GeneDx Variant Classification (06012015). Collection method: clinical testing. Allele origin: germline. Affected: yes.
Comment: This variant is considered likely benign or benign based on one or more of the following criteria: it is a conservative change, it occurs at a poorly conserved position in the protein, it is predicted to be benign by multiple in silico algorithms, and/or has population frequency not consistent with disease.